The following is an entry in ClinVar:

NM_000138.5(FBN1):c.2965G>A (p.Gly989Ser)

Gene: FBN1 (fibrillin 1; minus strand). Cytogenetic location: 15q21.1.
Variant type: single nucleotide variant.
Coding change: c.2965G>A on transcript NM_000138.5 (MANE Select); coding-DNA position 2965, G replaced by A.
Protein change: p.Gly989Ser; replaces glycine 989 with serine.
Molecular consequence: missense variant.
Genome position (GRCh38, 1-based): chr15:48,489,968, C>T on the plus strand (G>A on the coding strand, the complement: FBN1 is on the minus strand). VCF-style: chr15-48489968-C-T. GRCh37 (hg19) VCF-style: chr15-48782165-C-T.
Other names: c.2965G>A, p.Gly989Ser (NM_001406716.1); short protein forms G989S.
Identifiers: ClinVar variation 1953239 (VCV001953239.5), dbSNP rs1274304020, ClinGen allele CA392329410.

ClinVar aggregate classification (germline): Uncertain significance (1 of 4 stars; one submission).

Conditions:
Familial thoracic aortic aneurysm and aortic dissection (TAAD). Also called: Thoracic aortic aneurysms and dissections. Identifiers: Orphanet 91387, MedGen C4707243, MONDO:0019625.
Marfan syndrome (MFS). Also called: MARFAN SYNDROME, TYPE I; Marfan syndrome type 1; Marfan's syndrome; Marfan syndrome, classic; FBN1-Related Marfan Syndrome. Identifiers: Orphanet 284963, Orphanet 558, MedGen C0024796, MONDO:0007947, OMIM 154700.

Submission:

Labcorp Genetics (formerly Invitae), Labcorp
Classification: Uncertain significance for Marfan syndrome; Familial thoracic aortic aneurysm and aortic dissection. Last evaluated: 2022-02-18. Review status: criteria provided, single submitter. Criteria: Invitae Variant Classification Sherloc (09022015). Collection method: clinical testing. Allele origin: germline.
Comment: This sequence change replaces glycine, which is neutral and non-polar, with serine, which is neutral and polar, at codon 989 of the FBN1 protein (p.Gly989Ser). Advanced modeling of protein sequence and biophysical properties (such as structural, functional, and spatial information, amino acid conservation, physicochemical variation, residue mobility, and thermodynamic stability) performed at Invitae indicates that this missense variant is expected to disrupt FBN1 protein function. This variant has not been reported in the literature in individuals affected with FBN1-related conditions. This variant is not present in population databases (gnomAD no frequency). In summary, the available evidence is currently insufficient to determine the role of this variant in disease. Therefore, it has been classified as a Variant of Uncertain Significance.